The following is an entry in ClinVar:

NM_053025.4(MYLK):c.4093_4094del (p.Ser1365fs)

Gene: MYLK (myosin light chain kinase; minus strand). Cytogenetic location: 3q21.1.
Variant type: Deletion.
Coding change: c.4093_4094del on transcript NM_053025.4 (MANE Select); coding-DNA positions 4093 to 4094, 2 bases deleted (TC; older notation c.4093_4094delTC).
Protein change: p.Ser1365fs; shifts the reading frame from serine 1365.
Molecular consequence: frameshift variant.
Genome position (GRCh38, 1-based): chr3:123,657,320-123,657,321, GA deleted on the plus strand (TC on the coding strand, the reverse complement: MYLK is on the minus strand). VCF-style (leftmost placement, unchanged base first): chr3-123657319-GGA-G. GRCh37 (hg19) VCF-style: chr3-123376166-GGA-G.
Other names: c.3565_3566del, p.Ser1189fs (NM_001321309.2); c.3886_3887del, p.Ser1296fs (NM_053026.4, NM_053028.4); c.4093_4094del, p.Ser1365fs (NM_053027.4); short protein forms S1296fs, S1365fs, S1189fs.
Identifiers: ClinVar variation 1454045 (VCV001454045.8), dbSNP rs2108273583, ClinGen allele CA2573136419.

ClinVar aggregate classification (germline): Pathogenic (1 of 4 stars; one submission).

Conditions:
Aortic aneurysm, familial thoracic 7 (AAT7). Also called: AORTIC DISSECTION, FAMILIAL, WITH OR WITHOUT AORTIC ANEURYSM. Identifiers: MedGen C3151077, MONDO:0013418, OMIM 613780.

Submission:

Labcorp Genetics (formerly Invitae), Labcorp
Classification: Pathogenic for Aortic aneurysm, familial thoracic 7. Last evaluated: 2020-12-18. Review status: criteria provided, single submitter. Criteria: Invitae Variant Classification Sherloc (09022015). Collection method: clinical testing. Allele origin: germline.
Comment: For these reasons, this variant has been classified as Pathogenic. This variant has not been reported in the literature in individuals with MYLK-related conditions. This variant is not present in population databases (ExAC no frequency). This sequence change creates a premature translational stop signal (p.Ser1365Leufs*32) in the MYLK gene. It is expected to result in an absent or disrupted protein product. This variant occurs within the aortic-specific isoform of MYLK. Loss-of-function variants in the aortic-specific isoform of MYLK are known to be pathogenic for thoracic aortic dissections (PMID: 21055718).

Literature cited by the submitters: PubMed 21055718.